The following is an entry in ClinVar:

NM_014112.5(TRPS1):c.1083C>T (p.Thr361=)

Gene: TRPS1 (transcriptional repressor GATA binding 1; minus strand). Cytogenetic location: 8q23.3.
Variant type: single nucleotide variant.
Coding change: c.1083C>T on transcript NM_014112.5 (MANE Select); coding-DNA position 1083, C replaced by T.
Protein change: p.Thr361=; no amino-acid change (threonine 361 retained).
Molecular consequence: synonymous variant.
Genome position (GRCh38, 1-based): chr8:115,604,886, G>A on the plus strand (C>T on the coding strand, the complement: TRPS1 is on the minus strand). VCF-style: chr8-115604886-G-A. GRCh37 (hg19) VCF-style: chr8-116617113-G-A.
Other names: c.1056C>T, p.Thr352= (NM_001282902.3); c.1062C>T, p.Thr354= (NM_001282903.3); c.1044C>T, p.Thr348= (NM_001330599.2).
Identifiers: ClinVar variation 361625 (VCV000361625.36), dbSNP rs143724802, ClinGen allele CA4851888.

ClinVar aggregate classification (germline): Likely benign. Review status: criteria provided, multiple submitters, no conflicts (2 of 4 stars). 3 submissions from 3 submitters: Likely benign (3). Last evaluated 2025-12-02.

Conditions:
Trichorhinophalangeal dysplasia type I (TRPS1). Also called: TRICHORHINOPHALANGEAL SYNDROME, TYPE I; TRPS I. Identifiers: Orphanet 77258, MedGen C0432233, MONDO:0008596, OMIM 190350.
Trichorhinophalangeal syndrome, type III (TRPS3). Also called: SUGIO-KAJII SYNDROME. Identifiers: Orphanet 77258, MedGen C1860823, OMIM 190351, MONDO:0008597.

Allele frequency attached by ClinVar (database versions not stated): 1000 Genomes Project 30x 0.00016; 1000 Genomes Project 0.00020; ESP Exome Variant Server 0.00033; ExAC 0.00046; gnomAD 0.00048 and 0.00050; TOPMed 0.00058; gnomAD exomes 0.00060 and 0.00075.
gnomAD v4.1: 1,172 of 1,613,998 alleles (0.073%); highest among the groups gnomAD compares: Non-Finnish European, 0.081%; no homozygotes.

Submissions (3):

Labcorp Genetics (formerly Invitae), Labcorp
Classification: Likely benign for Trichorhinophalangeal syndrome, type III; Trichorhinophalangeal dysplasia type I. Last evaluated: 2025-12-02. Review status: criteria provided, single submitter. Criteria: Invitae Variant Classification Sherloc (09022015). Collection method: clinical testing. Allele origin: germline.

Blueprint Genetics
Classification: Likely benign. Last evaluated: 2024-10-18. Review status: criteria provided, single submitter. Criteria: ACMG Guidelines, 2015. Collection method: clinical testing. Allele origin: germline.

CeGaT Center for Human Genetics Tuebingen
Classification: Likely benign. Last evaluated: 2024-01-01. Review status: criteria provided, single submitter. Criteria: CeGaT Center For Human Genetics Tuebingen Variant Classification Criteria Version 2. Collection method: clinical testing. Allele origin: germline. Affected: yes. Observed: 2 variant alleles.
Comment: TRPS1: BP4, BP7